The following is an entry in ClinVar:

NM_000260.4(MYO7A):c.1798-3C>G

Gene: MYO7A (myosin VIIA; plus strand). Cytogenetic location: 11q13.5.
Variant type: single nucleotide variant.
Coding change: c.1798-3C>G on transcript NM_000260.4 (MANE Select); 3 bases into the intron before coding-DNA position 1798, C replaced by G.
Molecular consequence: intron variant.
Genome position (GRCh38, 1-based): chr11:77,172,745, C>G. VCF-style: chr11-77172745-C-G. GRCh37 (hg19) VCF-style: chr11-76883791-C-G.
Other names: c.1765-3C>G (NM_001369365.1); c.1798-3C>G (NM_001127180.2).
Identifiers: ClinVar variation 550618 (VCV000550618.3), dbSNP rs1555076939, ClinGen allele CA600344560.

ClinVar aggregate classification (germline): Uncertain significance. Review status: criteria provided, single submitter (1 of 4 stars). 2 submissions from 2 submitters: Uncertain significance (1). 1 of the submissions does not count toward it. Last evaluated 2025-07-30.

Conditions:
Autosomal recessive nonsyndromic hearing loss 2. Also called: NEUROSENSORY NONSYNDROMIC RECESSIVE DEAFNESS 2; DEAFNESS, AUTOSOMAL RECESSIVE 2. Identifiers: Orphanet 90636, MedGen C1838701, MONDO:0010807, OMIM 600060.
Usher syndrome type 1 (USH1). Also called: RETINITIS PIGMENTOSA AND CONGENITAL DEAFNESS. Identifiers: Orphanet 231169, Orphanet 886, MedGen C1568247, MONDO:0010168, OMIM 276900.

gnomAD v4.1: 2 of 1,555,054 alleles (0.00013%); highest among the groups gnomAD compares: East Asian, 0.0024%; no homozygotes.

Submissions (2):

Women's Health and Genetics/Laboratory Corporation of America, LabCorp
Classification: Uncertain significance. Last evaluated: 2025-07-30. Review status: criteria provided, single submitter. Criteria: LabCorp Variant Classification Summary - May 2015. Collection method: clinical testing. Allele origin: germline.
Comment: Variant summary: MYO7A c.1798-3C>G alters a conserved nucleotide located close to a canonical splice site and therefore could affect mRNA splicing, leading to a significantly altered protein sequence. Several computational tools predict a significant impact on normal splicing: Two predict the variant abolishes a canonical 3' acceptor site. Two predict the variant weakens a canonical 3' acceptor site. However, these predictions have yet to be confirmed by functional studies. The variant allele was found at a frequency of 6.2e-06 in 161272 control chromosomes. The available data on variant occurrences in the general population are insufficient to allow any conclusion about variant significance. c.1798-3C>G has been observed in individual(s) affected with Usher Syndrome (examples: Lin_2024, LeQuesne_2012). These data do not allow any conclusion about variant significance. To our knowledge, no experimental evidence demonstrating an impact on protein function has been reported. The following publications have been ascertained in the context of this evaluation (PMID: 22135276, 38219857). ClinVar contains an entry for this variant (Variation ID: 550618). Based on the evidence outlined above, the variant was classified as uncertain significance.

Counsyl
Classification: Uncertain significance for Usher syndrome type 1; Autosomal recessive nonsyndromic hearing loss 2. Last evaluated: 2017-02-03. Review status: no assertion criteria provided. Collection method: clinical testing. Allele origin: unknown. Not counted in ClinVar's aggregate classification.

Literature cited by the submitters: PubMed 22135276 (cited by Women's Health and Genetics/Laboratory Corporation of America, LabCorp and Counsyl); PubMed 38219857 (cited by Women's Health and Genetics/Laboratory Corporation of America, LabCorp).